The following is an entry in ClinVar:

NM_001379403.1(WDR26):c.570C>T (p.Ala190=)

Gene: WDR26 (WD repeat domain 26; minus strand). Cytogenetic location: 1q42.12.
Variant type: single nucleotide variant.
Coding change: c.570C>T on transcript NM_001379403.1 (MANE Select); coding-DNA position 570, C replaced by T.
Protein change: p.Ala190=; no amino-acid change (alanine 190 retained).
Molecular consequence: synonymous variant.
Genome position (GRCh38, 1-based): chr1:224,433,836, G>A on the plus strand (C>T on the coding strand, the complement: WDR26 is on the minus strand). VCF-style: chr1-224433836-G-A. GRCh37 (hg19) VCF-style: chr1-224621538-G-A.
Other names: p.Ala90=; c.270C>T, p.Ala90= (NM_001115113.3, NM_025160.7).
Identifiers: ClinVar variation 774589 (VCV000774589.29), dbSNP rs202205027, ClinGen allele CA1415184.

ClinVar aggregate classification (germline): Benign. Review status: criteria provided, multiple submitters, no conflicts (2 of 4 stars). 4 submissions from 4 submitters: Benign (4). Last evaluated 2026-09-01.

Allele frequency attached by ClinVar (database versions not stated): 1000 Genomes Project 30x 0.00328; 1000 Genomes Project 0.00339; ExAC 0.00621; TOPMed 0.00699; gnomAD exomes 0.00740 and 0.01275; gnomAD 0.00811 and 0.00831; ESP Exome Variant Server 0.00876.
gnomAD v4.1: 18,747 of 1,536,926 alleles (1.2%); highest among the groups gnomAD compares: Non-Finnish European, 1.5%; 137 homozygotes.

Submissions (4):

CeGaT Center for Human Genetics Tuebingen
Classification: Benign. Last evaluated: 2026-09-01. Review status: criteria provided, single submitter. Criteria: CeGaT Center For Human Genetics Tuebingen Variant Classification Criteria Version 2. Collection method: clinical testing. Allele origin: germline. Affected: yes. Observed: 43 variant alleles.
Comment: WDR26: BP4, BP7, BS1, BS2

Mayo Clinic Laboratories, Mayo Clinic
Classification: Benign. Last evaluated: 2022-07-22. Review status: criteria provided, single submitter. Criteria: ACMG Guidelines, 2015. Collection method: clinical testing. Allele origin: germline. Observed: 6 variant alleles.
Comment: BS1, BS2, BP4, BP7

Labcorp Genetics (formerly Invitae), Labcorp
Classification: Benign. Last evaluated: 2019-12-31. Review status: criteria provided, single submitter. Criteria: Invitae Variant Classification Sherloc (09022015). Collection method: clinical testing. Allele origin: germline.

Breakthrough Genomics
Classification: Benign. Review status: criteria provided, single submitter. Criteria: ACMG Guidelines, 2015. Collection method: not provided. Allele origin: germline. Inheritance: Autosomal dominant inheritance. Affected: yes.